The following is an entry in ClinVar:

NM_001161352.2(KCNMA1):c.2789A>C (p.Gln930Pro)

Genes: KCNMA1-AS1 (KCNMA1 antisense RNA 1; plus strand), KCNMA1 (potassium calcium-activated channel subfamily M alpha 1; minus strand). Cytogenetic location: 10q22.3.
Variant type: single nucleotide variant.
Coding change: c.2789A>C on transcript NM_001161352.2 (MANE Select); coding-DNA position 2789, A replaced by C.
Protein change: p.Gln930Pro; replaces glutamine 930 with proline.
Molecular consequence: missense variant.
Genome position (GRCh38, 1-based): chr10:76,944,886, T>G on the plus strand (A>C on the coding strand, the complement: KCNMA1 is on the minus strand). VCF-style: chr10-76944886-T-G. GRCh37 (hg19) VCF-style: chr10-78704644-T-G.
Other names: c.2627A>C, p.Gln876Pro (NM_001014797.3, NM_001322835.2, NM_001322837.2); c.2738A>C, p.Gln913Pro (NM_001161353.2); c.2465A>C, p.Gln822Pro (NM_001271518.2); c.2624A>C, p.Gln875Pro (NM_001271519.2, NM_001322829.2, NM_001322836.2); c.2636A>C, p.Gln879Pro (NM_001322830.2); c.2615A>C, p.Gln872Pro (NM_001322832.2, NM_002247.4); c.2162A>C, p.Gln721Pro (NM_001322838.2); short protein forms Q721P, Q822P, Q872P, Q875P, Q876P, Q879P, Q913P, Q930P.
Identifiers: ClinVar variation 1327901 (VCV001327901.7), dbSNP rs2152885532, ClinGen allele CA377405542.
Genomic context (GRCh38, chr10:76,944,886, plus strand): 5'-ATGTTGAGTGACGCCAAGATGCATTCCTTGTCCTGCAGCGAAGTATCATCAATATTATTC[T>G]GATTGGCTGACAGGATAACGCACATGTCACAGAGGTTGATGTTGACAGCCCTTAAATCAG-3'
Protein context (NP_001154824.1, residues 920-940): CDMCVILSAN[Gln930Pro]NNIDDTSLQD

ClinVar aggregate classification (germline): Uncertain significance. Review status: criteria provided, multiple submitters, no conflicts (2 of 4 stars). 2 submissions from 2 submitters: Uncertain significance (2). Last evaluated 2022-02-03.

Conditions:
Generalized epilepsy-paroxysmal dyskinesia syndrome (PNKD3). Also called: Generalized epilepsy and paroxysmal dyskinesia; Paroxysmal nonkinesigenic dyskinesia, 3, with or without generalized epilepsy. Identifiers: Orphanet 79137, MedGen C5574945, MONDO:0012276, OMIM 609446.

Submissions (2):

Labcorp Genetics (formerly Invitae), Labcorp
Classification: Uncertain significance for Generalized epilepsy-paroxysmal dyskinesia syndrome. Last evaluated: 2022-02-03. Review status: criteria provided, single submitter. Criteria: Invitae Variant Classification Sherloc (09022015). Collection method: clinical testing. Allele origin: germline.
Comment: In summary, the available evidence is currently insufficient to determine the role of this variant in disease. Therefore, it has been classified as a Variant of Uncertain Significance. Algorithms developed to predict the effect of missense changes on protein structure and function are either unavailable or do not agree on the potential impact of this missense change (SIFT: "Tolerated"; PolyPhen-2: "Possibly Damaging"; Align-GVGD: "Class C0"). This sequence change replaces glutamine, which is neutral and polar, with proline, which is neutral and non-polar, at codon 872 of the KCNMA1 protein (p.Gln872Pro). This variant is not present in population databases (gnomAD no frequency). This variant has not been reported in the literature in individuals affected with KCNMA1-related conditions. ClinVar contains an entry for this variant (Variation ID: 1327901).

GeneDx
Classification: Uncertain significance. Last evaluated: 2021-06-07. Review status: criteria provided, single submitter. Criteria: GeneDx Variant Classification Process June 2021. Collection method: clinical testing. Allele origin: germline. Affected: yes.
Comment: Has not been previously published as pathogenic or benign to our knowledge; Not observed in large population cohorts (Lek et al., 2016); In silico analysis supports that this missense variant does not alter protein structure/function; This variant is associated with the following publications: (PMID: 27535533)